The following is an entry in ClinVar:

NM_001142800.2(EYS):c.334G>C (p.Val112Leu)

Gene: EYS (EGF-like photoreceptor maintenance factor; minus strand). Cytogenetic location: 6q12.
Variant type: single nucleotide variant.
Coding change: c.334G>C on transcript NM_001142800.2 (MANE Select); coding-DNA position 334, G replaced by C.
Protein change: p.Val112Leu; replaces valine 112 with leucine.
Molecular consequence: missense variant.
Genome position (GRCh38, 1-based): chr6:65,495,077, C>G on the plus strand (G>C on the coding strand, the complement: EYS is on the minus strand). VCF-style: chr6-65495077-C-G. GRCh37 (hg19) VCF-style: chr6-66204970-C-G.
Other names: c.334G>C, p.Val112Leu (NM_001142801.2, NM_001292009.2, NM_198283.2); short protein forms V112L.
Identifiers: ClinVar variation 357748 (VCV000357748.20), dbSNP rs112609906, ClinGen allele CA3878094.

ClinVar aggregate classification (germline): Conflicting classifications of pathogenicity. Review status: criteria provided, conflicting classifications (1 of 4 stars). 6 submissions from 6 submitters: Uncertain significance (3); Likely benign (2). 1 of the submissions does not count toward it. Last evaluated 2026-07-06.

Conditions:
Retinal dystrophy. Also called: Inherited retinal dystrophy. Identifiers: Orphanet 71862, MedGen C0854723, MeSH D058499, MONDO:0019118, HP:0000556.
Retinitis pigmentosa 25 (RP25). Identifiers: Orphanet 791, MedGen C1864446, MONDO:0011272, OMIM 602772.
EYS-related disorder. Also called: EYS-related condition.
Retinitis pigmentosa (RP). Identifiers: Orphanet 791, MedGen C0035334, MeSH D012174, MONDO:0019200, OMIM 268000. Inheritance: Autosomal dominant, autosomal recessive and X linked inheritance.

Allele frequency attached by ClinVar (database versions not stated): TOPMed 0.00029; 1000 Genomes Project 0.00060; 1000 Genomes Project 30x 0.00062.
gnomAD v4.1: 197 of 1,614,104 alleles (0.012%); highest among the groups gnomAD compares: East Asian, 0.34%; no homozygotes.

Submissions (6):

PreventionGenetics, part of Exact Sciences
Classification: Likely benign for EYS-related condition. Last evaluated: 2026-07-06. Review status: criteria provided, single submitter. Criteria: ACMG Guidelines, 2015. Collection method: clinical testing. Allele origin: germline.
Comment: This variant is classified as likely benign based on ACMG/AMP sequence variant interpretation guidelines (Richards et al. 2015 PMID: 25741868, with internal and published modifications).

Labcorp Genetics (formerly Invitae), Labcorp
Classification: Likely benign. Last evaluated: 2026-01-28. Review status: criteria provided, single submitter. Criteria: Invitae Variant Classification Sherloc (09022015). Collection method: clinical testing. Allele origin: germline.

Blueprint Genetics
Classification: Uncertain significance. Last evaluated: 2024-06-28. Review status: criteria provided, single submitter. Criteria: ACMG Guidelines, 2015. Collection method: clinical testing. Allele origin: germline.

Dept Of Ophthalmology, Nagoya University
Classification: Uncertain significance for Retinal dystrophy. Last evaluated: 2023-10-01. Review status: criteria provided, single submitter. Criteria: Submitter's publication. Collection method: research. Allele origin: germline. Affected: yes.

Illumina Laboratory Services, Illumina
Classification: Uncertain significance for Retinitis pigmentosa. Last evaluated: 2018-01-13. Review status: criteria provided, single submitter. Criteria: ICSL Variant Classification Criteria 13 December 2019. Collection method: clinical testing. Allele origin: germline.

Natera, Inc.
Classification: Uncertain significance for Retinitis pigmentosa type 25. Last evaluated: 2019-10-28. Review status: no assertion criteria provided. Collection method: clinical testing. Allele origin: germline. Not counted in ClinVar's aggregate classification.